The following is an entry in ClinVar:

NM_003458.4(BSN):c.7649G>T (p.Arg2550Leu)

Gene: BSN (bassoon presynaptic cytomatrix protein; plus strand). Cytogenetic location: 3p21.31.
Variant type: single nucleotide variant.
Coding change: c.7649G>T on transcript NM_003458.4 (MANE Select); coding-DNA position 7649, G replaced by T.
Protein change: p.Arg2550Leu; replaces arginine 2550 with leucine.
Molecular consequence: missense variant.
Genome position (GRCh38, 1-based): chr3:49,657,205, G>T. VCF-style: chr3-49657205-G-T. GRCh37 (hg19) VCF-style: chr3-49694638-G-T.
Other names: short protein forms R2550L.
Identifiers: ClinVar variation 3900320 (VCV003900320.1).

ClinVar aggregate classification (germline): Uncertain significance (1 of 4 stars; one submission).

gnomAD v4.1: 3 of 1,613,310 alleles (0.00019%); highest among the groups gnomAD compares: Non-Finnish European, 0.00025%; no homozygotes.

Submission:

GeneDx
Classification: Uncertain significance. Last evaluated: 2024-02-27. Review status: criteria provided, single submitter. Criteria: GeneDx Variant Classification Process June 2021. Collection method: clinical testing. Allele origin: germline. Affected: yes.
Comment: In silico analysis supports that this missense variant has a deleterious effect on protein structure/function; Has not been previously published as pathogenic or benign to our knowledge; Variants in candidate genes are classified as variants of uncertain significance in accordance with ACMG guidelines (PMID: 25741868)